The following is an entry in ClinVar:

ClinVar aggregate classification (germline): Uncertain significance. Review status: criteria provided, multiple submitters, no conflicts (2 of 4 stars). 2 submissions from 2 submitters: Uncertain significance (2). Last evaluated 2025-05-03.

Conditions:
Inborn genetic diseases. Identifiers: MedGen C0950123, MeSH D030342.

gnomAD v4.1: 5 of 1,614,170 alleles (0.00031%); highest among the groups gnomAD compares: African/African-American, 0.0013%; no homozygotes.

Submissions (2):

Ambry Genetics
Classification: Uncertain significance for Inborn genetic diseases. Last evaluated: 2025-05-03. Review status: criteria provided, single submitter. Criteria: Ambry Variant Classification Scheme 2023. Collection method: clinical testing. Allele origin: germline.

Labcorp Genetics (formerly Invitae), Labcorp
Classification: Uncertain significance. Last evaluated: 2025-03-31. Review status: criteria provided, single submitter. Criteria: Invitae Variant Classification Sherloc (09022015). Collection method: clinical testing. Allele origin: germline.
Comment: This sequence change replaces asparagine, which is neutral and polar, with serine, which is neutral and polar, at codon 1782 of the CACNA1D protein (p.Asn1782Ser). This variant is present in population databases (rs778428518, gnomAD 0.0009%). This variant has not been reported in the literature in individuals affected with CACNA1D-related conditions. An algorithm developed to predict the effect of missense changes on protein structure and function (PolyPhen-2) suggests that this variant is likely to be tolerated. In summary, the available evidence is currently insufficient to determine the role of this variant in disease. Therefore, it has been classified as a Variant of Uncertain Significance.

NM_001128840.3(CACNA1D):c.5285A>G (p.Asn1762Ser)

Gene: CACNA1D (calcium voltage-gated channel subunit alpha1 D; plus strand). Cytogenetic location: 3p21.1.
Variant type: single nucleotide variant.
Coding change: c.5285A>G on transcript NM_001128840.3 (MANE Select); coding-DNA position 5285, A replaced by G.
Protein change: p.Asn1762Ser; replaces asparagine 1762 with serine.
Molecular consequence: missense variant.
Genome position (GRCh38, 1-based): chr3:53,801,302, A>G. VCF-style: chr3-53801302-A-G. GRCh37 (hg19) VCF-style: chr3-53835329-A-G.
Other names: c.5345A>G, p.Asn1782Ser (NM_000720.4); c.5240A>G, p.Asn1747Ser (NM_001128839.3); short protein forms N1782S, N1747S, N1762S.
Identifiers: ClinVar variation 3994425 (VCV003994425.2).